The following is an entry in ClinVar:

NM_001282531.3(ADNP):c.3137A>G (p.Gln1046Arg)

Gene: ADNP (activity dependent neuroprotector homeobox; minus strand). Cytogenetic location: 20q13.13.
Variant type: single nucleotide variant.
Coding change: c.3137A>G on transcript NM_001282531.3 (MANE Select); coding-DNA position 3137, A replaced by G.
Protein change: p.Gln1046Arg; replaces glutamine 1046 with arginine.
Molecular consequence: missense variant.
Genome position (GRCh38, 1-based): chr20:50,891,577, T>C on the plus strand (A>G on the coding strand, the complement: ADNP is on the minus strand). VCF-style: chr20-50891577-T-C. GRCh37 (hg19) VCF-style: chr20-49508114-T-C.
Other names: c.3137A>G, p.Gln1046Arg (NM_001282532.2, NM_001347511.2, NM_015339.5 and 1 more transcripts); short protein forms Q1046R.
Identifiers: ClinVar variation 2123955 (VCV002123955.4), dbSNP rs2515572755, ClinGen allele CA408967010.
Genomic context (GRCh38, chr20:50,891,577, plus strand): 5'-TTCTGCCACTCAATCTGGGGGTTAGATAAGCGCTCATCATTCTCAGATGCATTCTTCCAC[T>C]GTGACTGGTCCTTAGACCAAAACCCTTCAACTTTTCCATAGGAACTATTCTTCCATTTCA-3'
Protein context (NP_001269460.1, residues 1036-1056): VEGFWSKDQS[Gln1046Arg]WKNASENDER

ClinVar aggregate classification (germline): Uncertain significance (1 of 4 stars; one submission).

Allele frequency attached by ClinVar (database versions not stated): gnomAD exomes below 0.00001.
gnomAD v4.1: 1 of 1,613,110 alleles (0.000062%); highest among the groups gnomAD compares: African/African-American, 0.0013%; no homozygotes.

Submission:

Labcorp Genetics (formerly Invitae), Labcorp
Classification: Uncertain significance. Last evaluated: 2022-04-09. Review status: criteria provided, single submitter. Criteria: Invitae Variant Classification Sherloc (09022015). Collection method: clinical testing. Allele origin: germline.
Comment: This sequence change replaces glutamine, which is neutral and polar, with arginine, which is basic and polar, at codon 1046 of the ADNP protein (p.Gln1046Arg). This variant is not present in population databases (gnomAD no frequency). This variant has not been reported in the literature in individuals affected with ADNP-related conditions. Algorithms developed to predict the effect of missense changes on protein structure and function are either unavailable or do not agree on the potential impact of this missense change (SIFT: "Not Available"; PolyPhen-2: "Benign"; Align-GVGD: "Not Available"). In summary, the available evidence is currently insufficient to determine the role of this variant in disease. Therefore, it has been classified as a Variant of Uncertain Significance.